The following is an entry in ClinVar:

ClinVar aggregate classification (germline): Benign/Likely benign. Review status: criteria provided, multiple submitters, no conflicts (2 of 4 stars). 8 submissions from 8 submitters: Benign (1); Likely benign (2). 5 of the submissions do not count toward it. Last evaluated 2026-09-01.

Conditions:
ABL1-related disorder. Also called: ABL1-related condition.

Allele frequency attached by ClinVar (database versions not stated): 1000 Genomes Project 30x 0.00094; 1000 Genomes Project 0.00100; TOPMed 0.00214; ESP Exome Variant Server 0.00238; gnomAD 0.00250 and 0.00257; gnomAD exomes 0.00258 and 0.00319; ExAC 0.00279.
gnomAD v4.1: 4,972 of 1,614,194 alleles (0.31%); highest among the groups gnomAD compares: Non-Finnish European, 0.38%; 14 homozygotes.

Submissions (8):

CeGaT Center for Human Genetics Tuebingen
Classification: Likely benign. Last evaluated: 2026-09-01. Review status: criteria provided, single submitter. Criteria: CeGaT Center For Human Genetics Tuebingen Variant Classification Criteria Version 2. Collection method: clinical testing. Allele origin: germline. Affected: yes. Observed: 3 variant alleles.
Comment: ABL1: PP2, BS2

Labcorp Genetics (formerly Invitae), Labcorp
Classification: Benign. Last evaluated: 2026-02-01. Review status: criteria provided, single submitter. Criteria: Invitae Variant Classification Sherloc (09022015). Collection method: clinical testing. Allele origin: germline.

Blueprint Genetics
Classification: Likely benign. Last evaluated: 2024-11-08. Review status: criteria provided, single submitter. Criteria: ACMG Guidelines, 2015. Collection method: clinical testing. Allele origin: germline.

PreventionGenetics, part of Exact Sciences
Classification: Likely benign for ABL1-related condition. Last evaluated: 2021-07-29. Review status: no assertion criteria provided. Collection method: clinical testing. Allele origin: germline. Not counted in ClinVar's aggregate classification.
Comment: This variant is classified as likely benign based on ACMG/AMP sequence variant interpretation guidelines (Richards et al. 2015 PMID: 25741868, with internal and published modifications).

ITMI
No classification provided. Condition: AllHighlyPenetrant. Last evaluated: 2013-09-19. Review status: no classification provided. Collection method: reference population. Allele origin: germline. Not counted in ClinVar's aggregate classification.
Comment: Please see associated publication for description of ethnicities

Clinical Genetics DNA and cytogenetics Diagnostics Lab, Erasmus MC, Erasmus Medical Center
Classification: Likely benign. Review status: no assertion criteria provided. Collection method: clinical testing. Allele origin: germline. Affected: yes. Study: VKGL Data-share Consensus. Not counted in ClinVar's aggregate classification.

Diagnostic Laboratory, Department of Genetics, University Medical Center Groningen
Classification: Likely benign. Review status: no assertion criteria provided. Collection method: clinical testing. Allele origin: germline. Affected: yes. Study: VKGL Data-share Consensus. Not counted in ClinVar's aggregate classification.

Genome Diagnostics Laboratory, Amsterdam University Medical Center
Classification: Benign. Review status: no assertion criteria provided. Collection method: clinical testing. Allele origin: germline. Affected: yes. Study: VKGL Data-share Consensus. Not counted in ClinVar's aggregate classification.

Literature cited by the submitters: PubMed 24728327 (cited by ITMI).

NM_005157.6(ABL1):c.740A>G (p.Lys247Arg)

Gene: ABL1 (ABL proto-oncogene 1, non-receptor tyrosine kinase; plus strand). Cytogenetic location: 9q34.12.
Variant type: single nucleotide variant.
Coding change: c.740A>G on transcript NM_005157.6 (MANE Select); coding-DNA position 740, A replaced by G.
Protein change: p.Lys247Arg; replaces lysine 247 with arginine.
Molecular consequence: missense variant.
Genome position (GRCh38, 1-based): chr9:130,862,953, A>G. VCF-style: chr9-130862953-A-G. GRCh37 (hg19) VCF-style: chr9-133738340-A-G.
Other names: c.797A>G, p.Lys266Arg (NM_007313.3); short protein forms K247R, K266R.
Identifiers: ClinVar variation 133450 (VCV000133450.38), dbSNP rs34549764, ClinGen allele CA156560.
Genomic context (GRCh38, chr9:130,862,953, plus strand): 5'-GTGTGTCCCCCAACTACGACAAGTGGGAGATGGAACGCACGGACATCACCATGAAGCACA[A>G]GCTGGGCGGGGGCCAGTACGGGGAGGTGTACGAGGGCGTGTGGAAGAAATACAGCCTGAC-3'
Protein context (NP_005148.2, residues 237-257): MERTDITMKH[Lys247Arg]LGGGQYGEVY